The following is an entry in ClinVar:

NM_001009999.3(KDM1A):c.753T>G (p.Phe251Leu)

Gene: KDM1A (lysine demethylase 1A; plus strand). Cytogenetic location: 1p36.12.
Variant type: single nucleotide variant.
Coding change: c.753T>G on transcript NM_001009999.3 (MANE Select); coding-DNA position 753, T replaced by G.
Protein change: p.Phe251Leu; replaces phenylalanine 251 with leucine.
Molecular consequence: missense variant.
Genome position (GRCh38, 1-based): chr1:23,053,802, T>G. VCF-style: chr1-23053802-T-G. GRCh37 (hg19) VCF-style: chr1-23380295-T-G.
Other names: c.693T>G, p.Phe231Leu (NM_001363654.2, NM_001410763.1, NM_015013.4); c.753T>G, p.Phe251Leu (NM_001410762.1); short protein forms F231L, F251L.
Identifiers: ClinVar variation 4042149 (VCV004042149.1).

ClinVar aggregate classification (germline): Uncertain significance (1 of 4 stars; one submission).

Conditions:
Inborn genetic diseases. Identifiers: MedGen C0950123, MeSH D030342.

gnomAD v4.1: 1 of 1,610,318 alleles (0.000062%); highest among the groups gnomAD compares: Non-Finnish European, 0.000085%; no homozygotes.

Submission:

Ambry Genetics
Classification: Uncertain significance for Inborn genetic diseases. Last evaluated: 2025-05-20. Review status: criteria provided, single submitter. Criteria: Ambry Variant Classification Scheme 2023. Collection method: clinical testing. Allele origin: germline.
Comment: The p.F251L variant (also known as c.753T>G), located in coding exon 5 of the KDM1A gene, results from a T to G substitution at nucleotide position 753. The phenylalanine at codon 251 is replaced by leucine, an amino acid with highly similar properties. This amino acid position is conserved. In addition, this alteration is predicted to be tolerated by in silico analysis. Based on the available evidence, the clinical significance of this variant remains unclear.